The following is an entry in ClinVar:

NM_000747.3(CHRNB1):c.608T>C (p.Ile203Thr)

Gene: CHRNB1 (cholinergic receptor nicotinic beta 1 subunit; plus strand). Cytogenetic location: 17p13.1.
Variant type: single nucleotide variant.
Coding change: c.608T>C on transcript NM_000747.3 (MANE Select); coding-DNA position 608, T replaced by C.
Protein change: p.Ile203Thr; replaces isoleucine 203 with threonine.
Molecular consequence: missense variant.
Genome position (GRCh38, 1-based): chr17:7,447,648, T>C. VCF-style: chr17-7447648-T-C. GRCh37 (hg19) VCF-style: chr17-7350967-T-C.
Other names: short protein forms I203T.
Identifiers: ClinVar variation 845718 (VCV000845718.9), dbSNP rs1186710796, ClinGen allele CA397793404.
Genomic context (GRCh38, chr17:7,447,648, plus strand): 5'-CAGGCCTGGGTCCTGACGGGCAAGGGCATCAGGAAATCCACATTCATGAAGGGACTTTCA[T>C]TGGTGAGTAGGCATGGCTCCTACATCCATGGGCTCTATCATTTCCAGCTTCTAACAGACT-3'
Protein context (NP_000738.2, residues 193-213): QEIHIHEGTF[Ile203Thr]ENGQWEIIHK

ClinVar aggregate classification (germline): Uncertain significance (1 of 4 stars; one submission).

Conditions:
Congenital myasthenic syndrome 2A. Also called: Myasthenic syndrome, congenital, 2a, slow-channel. Identifiers: Orphanet 590, MedGen C4225374, MONDO:0014581, OMIM 616313.

Allele frequency attached by ClinVar (database versions not stated): gnomAD exomes 0.00001; gnomAD 0.00002; TOPMed 0.00002.
gnomAD v4.1: 15 of 1,614,080 alleles (0.00093%); highest among the groups gnomAD compares: Admixed American, 0.005%; no homozygotes.

Submission:

Labcorp Genetics (formerly Invitae), Labcorp
Classification: Uncertain significance for Congenital myasthenic syndrome 2A. Last evaluated: 2025-06-14. Review status: criteria provided, single submitter. Criteria: Invitae Variant Classification Sherloc (09022015). Collection method: clinical testing. Allele origin: germline.
Comment: This sequence change replaces isoleucine, which is neutral and non-polar, with threonine, which is neutral and polar, at codon 203 of the CHRNB1 protein (p.Ile203Thr). This variant is present in population databases (no rsID available, gnomAD 0.005%). This variant has not been reported in the literature in individuals affected with CHRNB1-related conditions. ClinVar contains an entry for this variant (Variation ID: 845718). An algorithm developed to predict the effect of missense changes on protein structure and function (PolyPhen-2) suggests that this variant is likely to be tolerated. In summary, the available evidence is currently insufficient to determine the role of this variant in disease. Therefore, it has been classified as a Variant of Uncertain Significance.